The following is an entry in ClinVar:

NM_001165963.4(SCN1A):c.2416-1G>T

Gene: SCN1A (sodium voltage-gated channel alpha subunit 1; minus strand). Cytogenetic location: 2q24.3.
Variant type: single nucleotide variant.
Coding change: c.2416-1G>T on transcript NM_001165963.4 (MANE Select); the canonical splice acceptor site of the intron before coding-DNA position 2416, G replaced by T.
Molecular consequence: splice acceptor variant.
Genome position (GRCh38, 1-based): chr2:166,039,597, C>A on the plus strand (G>T on the coding strand, the complement: SCN1A is on the minus strand). VCF-style: chr2-166039597-C-A. GRCh37 (hg19) VCF-style: chr2-166896107-C-A.
Other names: c.2383-1G>T (NM_001353951.2, NM_001353949.2, NM_001353950.2 and 2 more transcripts); c.2416-1G>T (NM_001353948.2, NM_001202435.3); c.2329-1G>T (NM_001353960.2); c.2380-1G>T (NM_001353954.2, NM_001353955.2); c.2332-1G>T (NM_001165964.3, NM_001353958.2, NM_001353957.2); c.-27-1G>T (NM_001353961.2).
Identifiers: ClinVar variation 1207171 (VCV001207171.3), dbSNP rs1553542421, ClinGen allele CA349062825.

ClinVar aggregate classification (germline): Pathogenic (1 of 4 stars; one submission).

Submission:

GeneDx
Classification: Pathogenic. Last evaluated: 2019-05-30. Review status: criteria provided, single submitter. Criteria: GeneDx Variant Classification Process June 2021. Collection method: clinical testing. Allele origin: germline. Affected: yes.
Comment: Canonical splice site variant predicted to result in an in-frame deletion of a critical region; Not observed in large population cohorts (Lek et al., 2016); Deletions involving coding exons in this gene are frequently reported as pathogenic, regardless of frame prediction [(Stenson et al., 2014); Has not been previously published as pathogenic or benign to our knowledge